The following is an entry in ClinVar:

NM_015559.3(SETBP1):c.3205T>C (p.Tyr1069His)

Gene: SETBP1 (SET binding protein 1; plus strand). Cytogenetic location: 18q12.3.
Variant type: single nucleotide variant.
Coding change: c.3205T>C on transcript NM_015559.3 (MANE Select); coding-DNA position 3205, T replaced by C.
Protein change: p.Tyr1069His; replaces tyrosine 1069 with histidine.
Molecular consequence: missense variant.
Genome position (GRCh38, 1-based): chr18:44,952,545, T>C. VCF-style: chr18-44952545-T-C. GRCh37 (hg19) VCF-style: chr18-42532510-T-C.
Other names: c.3205T>C, p.Tyr1069His (NM_001379141.1, NM_001379142.1, NM_001410862.1); short protein forms Y1069H.
Identifiers: ClinVar variation 4883535 (VCV004883535.2).

ClinVar aggregate classification (germline): Uncertain significance (1 of 4 stars; one submission).

gnomAD v4.1: 1 of 1,614,164 alleles (0.000062%); highest among the groups gnomAD compares: Non-Finnish European, 0.000085%; no homozygotes.

Submission:

Dasa
Classification: Uncertain significance. Last evaluated: 2025-07-08. Review status: criteria provided, single submitter. Criteria: DASA Assertion Criteria. Collection method: clinical testing. Allele origin: germline.
Comment: NM_015559.3(SETBP1):c.3205T>C (p.Tyr1069His) is a missense variant that results in the substitution of tyrosine with histidine. This variant is rare in population databases. The currently available literature and clinical evidence are not sufficient to establish a definitive association between this variant and the reported condition. Therefore, this variant is classified as a variant of uncertain significance.